The following is an entry in ClinVar:

NM_001127222.2(CACNA1A):c.1991T>C (p.Leu664Pro)

Gene: CACNA1A (calcium voltage-gated channel subunit alpha1 A; minus strand). Cytogenetic location: 19p13.13.
Variant type: single nucleotide variant.
Coding change: c.1991T>C on transcript NM_001127222.2 (MANE Select); coding-DNA position 1991, T replaced by C.
Protein change: p.Leu664Pro; replaces leucine 664 with proline.
Molecular consequence: missense variant.
Genome position (GRCh38, 1-based): chr19:13,303,880, A>G on the plus strand (T>C on the coding strand, the complement: CACNA1A is on the minus strand). VCF-style: chr19-13303880-A-G. GRCh37 (hg19) VCF-style: chr19-13414694-A-G.
Other names: c.1994T>C, p.Leu665Pro (NM_000068.4, NM_001127221.2, NM_001174080.2 and 1 more transcripts); short protein forms L664P, L665P.
Identifiers: ClinVar variation 2016499 (VCV002016499.5), dbSNP rs2512931685, ClinGen allele CA404344508.

ClinVar aggregate classification (germline): Uncertain significance. Review status: criteria provided, multiple submitters, no conflicts (2 of 4 stars). 2 submissions from 2 submitters: Uncertain significance (2). Last evaluated 2023-02-02.

Conditions:
Episodic ataxia type 2 (EA2). Also called: ATAXIA, EPISODIC, WITH NYSTAGMUS; ATAXIA, FAMILIAL PAROXYSMAL; CEREBELLAR ATAXIA, PAROXYSMAL, ACETAZOLAMIDE-RESPONSIVE; CEREBELLOPATHY, HEREDITARY PAROXYSMAL; ACETAZOLAMIDE-RESPONSIVE HEREDITARY PAROXYSMAL CEREBELLAR ATAXIA; EPISODIC ATAXIA, NYSTAGMUS-ASSOCIATED. Identifiers: Orphanet 97, MedGen C1720416, MONDO:0007163, OMIM 108500.
Developmental and epileptic encephalopathy, 42 (DEE42A). Also called: Epileptic encephalopathy, early infantile, 42; DEVELOPMENTAL AND EPILEPTIC ENCEPHALOPATHY 42A; EPILEPTIC ENCEPHALOPATHY, EARLY INFANTILE, 42A. Identifiers: MedGen C4310716, MONDO:0014917, OMIM 617106.

Submissions (2):

GeneDx
Classification: Uncertain significance. Last evaluated: 2023-02-02. Review status: criteria provided, single submitter. Criteria: GeneDx Variant Classification Process June 2021. Collection method: clinical testing. Allele origin: germline. Affected: yes.
Comment: Not observed at significant frequency in large population cohorts (gnomAD); In silico analysis supports that this missense variant has a deleterious effect on protein structure/function; Has not been previously published as pathogenic or benign to our knowledge

Labcorp Genetics (formerly Invitae), Labcorp
Classification: Uncertain significance for Developmental and epileptic encephalopathy, 42; Episodic ataxia type 2. Last evaluated: 2022-07-13. Review status: criteria provided, single submitter. Criteria: Invitae Variant Classification Sherloc (09022015). Collection method: clinical testing. Allele origin: germline.
Comment: This sequence change replaces leucine, which is neutral and non-polar, with proline, which is neutral and non-polar, at codon 665 of the CACNA1A protein (p.Leu665Pro). This variant is not present in population databases (gnomAD no frequency). This variant has not been reported in the literature in individuals affected with CACNA1A-related conditions. Advanced modeling of protein sequence and biophysical properties (such as structural, functional, and spatial information, amino acid conservation, physicochemical variation, residue mobility, and thermodynamic stability) performed at Invitae indicates that this missense variant is expected to disrupt CACNA1A protein function. In summary, the available evidence is currently insufficient to determine the role of this variant in disease. Therefore, it has been classified as a Variant of Uncertain Significance.